The following is an entry in ClinVar:

NM_001170629.2(CHD8):c.4238A>T (p.Asp1413Val)

Gene: CHD8 (chromodomain helicase DNA binding protein 8; minus strand). Cytogenetic location: 14q11.2.
Variant type: single nucleotide variant.
Coding change: c.4238A>T on transcript NM_001170629.2 (MANE Select); coding-DNA position 4238, A replaced by T.
Protein change: p.Asp1413Val; replaces aspartic acid 1413 with valine.
Molecular consequence: missense variant.
Genome position (GRCh38, 1-based): chr14:21,401,007, T>A on the plus strand (A>T on the coding strand, the complement: CHD8 is on the minus strand). VCF-style: chr14-21401007-T-A. GRCh37 (hg19) VCF-style: chr14-21869166-T-A.
Other names: c.3401A>T, p.Asp1134Val (NM_020920.4); short protein forms D1413V, D1134V.
Identifiers: ClinVar variation 3683057 (VCV003683057.2).

ClinVar aggregate classification (germline): Uncertain significance (1 of 4 stars; one submission).

gnomAD v4.1: 4 of 1,613,884 alleles (0.00025%); highest among the groups gnomAD compares: Non-Finnish European, 0.00034%; no homozygotes.

Submission:

Labcorp Genetics (formerly Invitae), Labcorp
Classification: Uncertain significance. Last evaluated: 2024-03-19. Review status: criteria provided, single submitter. Criteria: Invitae Variant Classification Sherloc (09022015). Collection method: clinical testing. Allele origin: germline.
Comment: This sequence change replaces aspartic acid, which is acidic and polar, with valine, which is neutral and non-polar, at codon 1413 of the CHD8 protein (p.Asp1413Val). This variant is present in population databases (rs372249897, gnomAD 0.002%). This variant has not been reported in the literature in individuals affected with CHD8-related conditions. Advanced modeling of protein sequence and biophysical properties (such as structural, functional, and spatial information, amino acid conservation, physicochemical variation, residue mobility, and thermodynamic stability) performed at Invitae indicates that this missense variant is not expected to disrupt CHD8 protein function with a negative predictive value of 80%. In summary, the available evidence is currently insufficient to determine the role of this variant in disease. Therefore, it has been classified as a Variant of Uncertain Significance.